The following continues an entry in ClinVar:

NM_001927.4(DES):c.1216C>T (p.Arg406Trp)

Gene: DES. ClinVar aggregate classification (germline): Pathogenic/Likely pathogenic. Pathogenic (12); Likely pathogenic (1).

Submissions 12 to 15 of 15:

Laboratory for Molecular Medicine, Mass General Brigham Personalized Medicine
Classification: Pathogenic for Desmin-related myofibrillar myopathy. Last evaluated: 2015-03-11. Review status: criteria provided, single submitter. Criteria: LMM Criteria. Collection method: clinical testing. Allele origin: germline. Inheritance: Autosomal dominant inheritance. Observed: 1 variant allele.
Comment: The p.Arg406Trp variant in DES is absent from large populations sequenced by the Exome Aggregation Consortium but has been reported i n at least 5 individuals with clinical features of desminopathies, including con duction system disease +/-cardiomyopathy (DCM and RCM) and skeletal myopathy (sa me individuals reported in multiple papers; Dalakas 2000, Park 2000, Dagvadirj 2 004, Olive 2004, Wahbi 2012). In at least least 4 individuals the variant had oc curred de novo (paternity confirmed; same individuals reported in multiple paper s; Dalakas 2000, Park 2000, Dagvadirj 2004, Olive 2004). In vitro functional stu dies provide some evidence that the p.Arg406Trp variant impacts protein function (Park 2000, Chourbagi 2011). However, these types of assays sometimes do not ac curately represent biological function. In summary, this variant meets our crite ria to be classified as pathogenic for desminopathy with cardiac and skeletal my opathy involvement in an autosomal dominant manner (onalizedmedicine/LMM) based upon absence from the general population and de novo occurrence.

Neuberg Centre For Genomic Medicine, NCGM
Classification: Pathogenic for Desmin-related myofibrillar myopathy. Review status: criteria provided, single submitter. Criteria: ACMG Guidelines, 2015. Collection method: clinical testing. Allele origin: germline. Inheritance: Autosomal dominant inheritance. Affected: yes.
Comment: The missense c.1216C>Tp.Arg406Trp variant in DES gene has been reported previously in heterozygous state in individuals affected with Desminopathy, a familial or sporadic cardiac and skeletal muscular dystrophy Dagvadorj et al., 2004. Experimental studies have shown that this missense change affects DES function Joanne et al., 2013. This variant is novel not in any individuals in gnomAD Exomes and 1000 Genomes. This variant has been reported to the ClinVar database as Likely Pathogenic / Pathogenic multiple submitters. In at least one individual the variant was observed to be de novo. The amino acid Arg at position 406 is changed to a Trp changing protein sequence and it might alter its composition and physico-chemical properties. The amino acid change p.Arg406Trp in DES is predicted as conserved by GERP++ and PhyloP across 100 vertebrates. The variant is predicted as damaging by SIFT. For these reasons, this variant has been classified as Pathogenic.

OMIM
Classification: Pathogenic for MYOPATHY, MYOFIBRILLAR, 1. Last evaluated: 2000-06-01. Review status: no assertion criteria provided. Collection method: literature only. Allele origin: germline. Not counted in ClinVar's aggregate classification.

Epithelial Biology;  Institute of Medical Biology, Singapore
No classification provided. Review status: no classification provided. Collection method: not provided. Allele origin: not provided. Not counted in ClinVar's aggregate classification.

Literature cited by the submitters: PubMed 10717012 (cited by 4 submitters); PubMed 10905661 (cited by 5 submitters); PubMed 14991347 (cited by 4 submitters); PubMed 21262226 (cited by 4 submitters); PubMed 23425003 (cited by Labcorp Genetics (formerly Invitae), Labcorp); PubMed 27854218 (cited by Ambry Genetics and Clinical Omics and Informatics (COIN) Unit, Neuroscience Institute, University Of Cape Town); PubMed 32235386 (cited by Ambry Genetics); PubMed 32528171 (cited by Ambry Genetics); PubMed 33023321 (cited by Ambry Genetics and Molecular Genetics, Royal Melbourne Hospital); PubMed 34612024 (cited by Ambry Genetics); PubMed 34712946 (cited by Ambry Genetics and Clinical Omics and Informatics (COIN) Unit, Neuroscience Institute, University Of Cape Town); PubMed 35239206 (cited by Ambry Genetics); PubMed 35350386 (cited by Ambry Genetics); PubMed 35598036 (cited by Ambry Genetics); PubMed 35626289 (cited by Ambry Genetics); PubMed 35653365 (cited by Ambry Genetics); PubMed 35898174 (cited by Ambry Genetics); PubMed 36792195 (cited by Ambry Genetics and Clinical Omics and Informatics (COIN) Unit, Neuroscience Institute, University Of Cape Town); PubMed 38314304 (cited by Ambry Genetics and Clinical Omics and Informatics (COIN) Unit, Neuroscience Institute, University Of Cape Town); PubMed 39501717 (cited by Ambry Genetics); PubMed 37712079 (cited by Clinical Omics and Informatics (COIN) Unit, Neuroscience Institute, University Of Cape Town); PubMed 23143191 (cited by Clinical Omics and Informatics (COIN) Unit, Neuroscience Institute, University Of Cape Town); PubMed 15050448 (cited by Clinical Omics and Informatics (COIN) Unit, Neuroscience Institute, University Of Cape Town and Laboratory for Molecular Medicine, Mass General Brigham Personalized Medicine); PubMed 22153487 (cited by Laboratory for Molecular Medicine, Mass General Brigham Personalized Medicine).